The following is an entry in ClinVar:

ClinVar aggregate classification (germline): Uncertain significance (1 of 4 stars; one submission).

Conditions:
Myofibrillar myopathy 4. Also called: Zaspopathy (type). Identifiers: Orphanet 98912, MedGen C4721886, MONDO:0012277, OMIM 609452.

gnomAD v4.1: 2 of 1,614,018 alleles (0.00012%); highest among the groups gnomAD compares: Non-Finnish European, 0.00017%; no homozygotes.

Submission:

Labcorp Genetics (formerly Invitae), Labcorp
Classification: Uncertain significance for Myofibrillar myopathy 4. Last evaluated: 2025-07-02. Review status: criteria provided, single submitter. Criteria: Invitae Variant Classification Sherloc (09022015). Collection method: clinical testing. Allele origin: germline.
Comment: This sequence change replaces isoleucine, which is neutral and non-polar, with asparagine, which is neutral and polar, at codon 187 of the LDB3 protein (p.Ile187Asn). This variant is present in population databases (rs749041369, gnomAD 0.002%). This variant has not been reported in the literature in individuals affected with LDB3-related conditions. An algorithm developed to predict the effect of missense changes on protein structure and function (PolyPhen-2) suggests that this variant is likely to be disruptive. In summary, the available evidence is currently insufficient to determine the role of this variant in disease. Therefore, it has been classified as a Variant of Uncertain Significance.

NM_007078.3(LDB3):c.701T>A (p.Ile234Asn)

Gene: LDB3 (LIM domain binding 3; plus strand). Cytogenetic location: 10q23.2.
Variant type: single nucleotide variant.
Coding change: c.701T>A on transcript NM_007078.3 (MANE Select); coding-DNA position 701, T replaced by A.
Protein change: p.Ile234Asn; replaces isoleucine 234 with asparagine.
Molecular consequence: missense variant.
Genome position (GRCh38, 1-based): chr10:86,691,907, T>A. VCF-style: chr10-86691907-T-A. GRCh37 (hg19) VCF-style: chr10-88451664-T-A.
Other names: c.560T>A, p.Ile187Asn (NM_001080114.2, NM_001080116.1, NM_001368066.1 and 2 more transcripts); c.701T>A, p.Ile234Asn (NM_001080115.2, NM_001368063.1, NM_001368064.1 and 1 more transcripts); c.905T>A, p.Ile302Asn (NM_001171610.2, NM_001171611.2); short protein forms I187N, I234N, I302N.
Identifiers: ClinVar variation 4693454 (VCV004693454.1).